The following is an entry in ClinVar:

NM_004517.4(ILK):c.252_255+9dup

Genes: TAF10 (TATA-box binding protein associated factor 10; minus strand), ILK (integrin linked kinase; plus strand). Cytogenetic location: 11p15.4.
Variant type: Duplication.
Coding change: c.252_255+9dup on transcript NM_004517.4 (MANE Select); coding-DNA position 252 through 9 bases into the intron after coding-DNA position 255, 13 bases duplicated (GAAGGTACGTACA).
Molecular consequence: splice donor variant. On other transcripts: 3 prime UTR variant (1), intron variant (1).
Genome position (GRCh38, 1-based): chr11:6,608,208-6,608,220, GAAGGTACGTACA duplicated; duplicating any 13 consecutive bases within chr11:6,608,203-6,608,220 gives the same sequence; the c. name uses the placement nearest the transcript's 3' end. VCF-style (leftmost placement, unchanged base first): chr11-6608202-T-TGTACAGAAGGTAC. GRCh37 (hg19) VCF-style: chr11-6629432-T-TGTACAGAAGGTAC.
Other names: c.*2707_*2719dup (NM_006284.4); c.252_255+9dup (NM_001014795.3, NM_001278441.2, NM_001014794.3); c.-147-186_-147-174dup (NM_001278442.2).
Identifiers: ClinVar variation 2813165 (VCV002813165.3), dbSNP rs2493761435, ClinGen allele CA2739276119.

ClinVar aggregate classification (germline): Uncertain significance (1 of 4 stars; one submission).

Conditions:
Primary familial hypertrophic cardiomyopathy (HCM). Identifiers: Orphanet 99739, MedGen C0949658, MeSH D024741, MONDO:0024573. Inheritance: Various modes of inheritance.

Submission:

Labcorp Genetics (formerly Invitae), Labcorp
Classification: Uncertain significance for Primary familial hypertrophic cardiomyopathy. Last evaluated: 2022-12-05. Review status: criteria provided, single submitter. Criteria: Invitae Variant Classification Sherloc (09022015). Collection method: clinical testing. Allele origin: germline.
Comment: In summary, the available evidence is currently insufficient to determine the role of this variant in disease. Therefore, it has been classified as a Variant of Uncertain Significance. Algorithms developed to predict the effect of sequence changes on RNA splicing suggest that this variant may create or strengthen a splice site. This variant has not been reported in the literature in individuals affected with ILK-related conditions. This variant is not present in population databases (gnomAD no frequency). This sequence change falls in intron 3 of the ILK gene. It does not directly change the encoded amino acid sequence of the ILK protein.